The following is an entry in ClinVar:

NM_000553.6(WRN):c.3515A>C (p.Asp1172Ala)

Gene: WRN (WRN RecQ like helicase; plus strand). Cytogenetic location: 8p12.
Variant type: single nucleotide variant.
Coding change: c.3515A>C on transcript NM_000553.6 (MANE Select); coding-DNA position 3515, A replaced by C.
Protein change: p.Asp1172Ala; replaces aspartic acid 1172 with alanine.
Molecular consequence: missense variant.
Genome position (GRCh38, 1-based): chr8:31,147,419, A>C. VCF-style: chr8-31147419-A-C. GRCh37 (hg19) VCF-style: chr8-31004935-A-C.
Other names: short protein forms D1172A.
Identifiers: ClinVar variation 2102821 (VCV002102821.4), dbSNP rs2536043174, ClinGen allele CA370925864.

ClinVar aggregate classification (germline): Uncertain significance (1 of 4 stars; one submission).

Conditions:
Werner syndrome (WRN). Identifiers: Orphanet 902, MedGen C0043119, MONDO:0010196, OMIM 277700.

Submission:

Labcorp Genetics (formerly Invitae), Labcorp
Classification: Uncertain significance for Werner syndrome. Last evaluated: 2022-02-24. Review status: criteria provided, single submitter. Criteria: Invitae Variant Classification Sherloc (09022015). Collection method: clinical testing. Allele origin: germline.
Comment: This variant has not been reported in the literature in individuals affected with WRN-related conditions. This variant is not present in population databases (gnomAD no frequency). This sequence change replaces aspartic acid, which is acidic and polar, with alanine, which is neutral and non-polar, at codon 1172 of the WRN protein (p.Asp1172Ala). Algorithms developed to predict the effect of missense changes on protein structure and function are either unavailable or do not agree on the potential impact of this missense change (SIFT: "Not Available"; PolyPhen-2: "Possibly Damaging"; Align-GVGD: "Not Available"). In summary, the available evidence is currently insufficient to determine the role of this variant in disease. Therefore, it has been classified as a Variant of Uncertain Significance.